The following is an entry in ClinVar:

NM_012342.3(BAMBI):c.762C>T (p.His254=)

Gene: BAMBI (BMP and activin membrane bound inhibitor; plus strand). Cytogenetic location: 10p12.1.
Variant type: single nucleotide variant.
Coding change: c.762C>T on transcript NM_012342.3 (MANE Select); coding-DNA position 762, C replaced by T.
Protein change: p.His254=; no amino-acid change (histidine 254 retained).
Molecular consequence: synonymous variant.
Genome position (GRCh38, 1-based): chr10:28,682,380, C>T. VCF-style: chr10-28682380-C-T. GRCh37 (hg19) VCF-style: chr10-28971309-C-T.
Identifiers: ClinVar variation 2640386 (VCV002640386.24), dbSNP rs140742882, ClinGen allele CA5455393.

ClinVar aggregate classification (germline): Likely benign (1 of 4 stars; one submission).

Allele frequency attached by ClinVar (database versions not stated): ExAC 0.00030; 1000 Genomes Project 30x 0.00031; ESP Exome Variant Server 0.00031; gnomAD 0.00039; 1000 Genomes Project 0.00040.
gnomAD v4.1: 1,003 of 1,610,164 alleles (0.062%); highest among the groups gnomAD compares: Non-Finnish European, 0.078%; 2 homozygotes.

Submission:

CeGaT Center for Human Genetics Tuebingen
Classification: Likely benign. Last evaluated: 2022-12-01. Review status: criteria provided, single submitter. Criteria: CeGaT Center For Human Genetics Tuebingen Variant Classification Criteria Version 2. Collection method: clinical testing. Allele origin: germline. Affected: yes. Observed: 1 variant allele.
Comment: BAMBI: BP4, BP7